The following is an entry in ClinVar:

ClinVar aggregate classification (germline): Conflicting classifications of pathogenicity. Review status: criteria provided, conflicting classifications (1 of 4 stars). 11 submissions from 10 submitters: Uncertain significance (1); Benign (7); Likely benign (1). 2 of the submissions do not count toward it. Last evaluated 2026-01-05.

Conditions:
Protoporphyria, erythropoietic, 1 (EPP1). Also called: Erythropoietic Protoporphyria, Autosomal Recessive; FERROCHELATASE DEFICIENCY; HEME SYNTHETASE DEFICIENCY. Identifiers: Orphanet 79278, MedGen C4692546, MONDO:0008319, OMIM 177000.
Erythema. Identifiers: MedGen C0041834, HP:0010783.
Jaundice. Identifiers: MedGen C0022346, HP:0000952.

Allele frequency attached by ClinVar (database versions not stated): ESP Exome Variant Server 0.25880; gnomAD 0.27543 and 0.27629; TOPMed 0.28790; 1000 Genomes Project 30x 0.33385; 1000 Genomes Project 0.33466.
gnomAD v4.1: 325,441 of 1,613,044 alleles (20%); highest among the groups gnomAD compares: African/African-American, 45%; 38,415 homozygotes.

Submissions (11):

Labcorp Genetics (formerly Invitae), Labcorp
Classification: Benign. Last evaluated: 2026-01-05. Review status: criteria provided, single submitter. Criteria: Invitae Variant Classification Sherloc (09022015). Collection method: clinical testing. Allele origin: germline.

Laboratory of Genetics, Children's Clinical University Hospital Latvia
Classification: Benign. Last evaluated: 2025-02-16. Review status: criteria provided, single submitter. Criteria: ACMG Guidelines, 2015. Collection method: clinical testing. Allele origin: germline. Affected: yes.

Department of Pathology and Laboratory Medicine, Sinai Health System
Classification: Benign for protoporphyria, erythropoietic, 1. Last evaluated: 2023-04-22. Review status: criteria provided, single submitter. Criteria: ACMG Guidelines, 2015. Collection method: research. Allele origin: germline.

Mayo Clinic Laboratories, Mayo Clinic
Classification: Benign. Last evaluated: 2022-03-23. Review status: criteria provided, single submitter. Criteria: ACMG Guidelines, 2015. Collection method: clinical testing. Allele origin: germline. Observed: 190 variant alleles.
Comment: BA1

Centre of Medical Genetics, University Hospital Muenster
Classification: Uncertain significance for Protoporphyria, erythropoietic, 1. Last evaluated: 2021-12-08. Review status: criteria provided, single submitter. Criteria: ACMG Guidelines, 2015. Collection method: clinical testing. Allele origin: germline. Affected: yes. Observed: 1 variant allele, 1 compound heterozygote.
Comment: ACMG categories: PS5,BS2,BP6,BP7

Genome-Nilou Lab
Classification: Benign for Protoporphyria, erythropoietic, 1. Last evaluated: 2021-08-10. Review status: criteria provided, single submitter. Criteria: ACMG Guidelines, 2015. Collection method: clinical testing. Allele origin: germline. Affected: no.

Mendelics
Classification: Benign for Protoporphyria, erythropoietic, 1. Last evaluated: 2019-05-28. Review status: criteria provided, single submitter. Criteria: Mendelics Assertion Criteria 2017. Collection method: clinical testing. Allele origin: unknown.

GeneDx
Classification: Benign. Last evaluated: 2018-11-11. Review status: criteria provided, single submitter. Criteria: GeneDx Variant Classification Process June 2021. Collection method: clinical testing. Allele origin: germline. Affected: yes.
Comment: This variant is associated with the following publications: (PMID: 8280787, 1729699, 27884173, 26789144)

Centre for Mendelian Genomics, University Medical Centre Ljubljana
Classification: Likely benign for Protoporphyria, erythropoietic, 1. Last evaluated: 2016-01-01. Review status: criteria provided, single submitter. Criteria: ACMG Guidelines, 2015. Collection method: clinical testing. Allele origin: unknown. Affected: yes.
Comment: This variant was classified as: Likely benign.

Centre for Mendelian Genomics, University Medical Centre Ljubljana
Classification: Likely benign for Erythema; Jaundice. Last evaluated: 2016-01-25. Review status: no assertion criteria provided. Collection method: clinical testing. Allele origin: unknown. Affected: yes. Not counted in ClinVar's aggregate classification.

OMIM
Classification: Pathogenic for PROTOPORPHYRIA, ERYTHROPOIETIC, 1. Last evaluated: 1992-01-01. Review status: no assertion criteria provided. Collection method: literature only. Allele origin: germline. Not counted in ClinVar's aggregate classification.

Literature cited by the submitters: PubMed 1729699 (cited by OMIM).

NM_000140.5(FECH):c.68-23C>T

Genes: FECH (ferrochelatase; minus strand), LOC130062555 (ATAC-STARR-seq lymphoblastoid active region 13371; plus strand). Cytogenetic location: 18q21.31.
Variant type: single nucleotide variant.
Coding change: c.68-23C>T on transcript NM_000140.5 (MANE Select); 23 bases into the intron before coding-DNA position 68, C replaced by T.
Molecular consequence: intron variant.
Genome position (GRCh38, 1-based): chr18:57,580,222, G>A on the plus strand (C>T on the coding strand, the complement: FECH is on the minus strand). VCF-style: chr18-57580222-G-A. GRCh37 (hg19) VCF-style: chr18-55247454-G-A.
Other names: p.?; IVS1, C-T, -23; c.68-23C>T (NM_001371094.1, NM_001374778.1, NM_001012515.4 and 1 more transcripts); c.-149-23C>T (NM_001371095.1).
Identifiers: ClinVar variation 550 (VCV000000550.20), dbSNP rs2269219, ClinGen allele CA251507.